The following is an entry in ClinVar:

ClinVar aggregate classification (germline): Conflicting classifications of pathogenicity. Review status: criteria provided, conflicting classifications (1 of 4 stars). 5 submissions from 5 submitters: Uncertain significance (4); Benign (1). Last evaluated 2026-01-14.

Conditions:
Limb-girdle muscular dystrophy (LGMD). Also called: Muscular Dystrophies, Limb-Girdle. Identifiers: Orphanet 263, MedGen C0686353, MeSH D049288, MONDO:0016971, HP:0006785.
Bethlem myopathy 1A. Also called: Bethlem Muscular Dystrophy; MYOPATHY, BENIGN CONGENITAL, WITH CONTRACTURES; Bethlem myopathy 1. Identifiers: Orphanet 610, MedGen CN029274, MONDO:0024530, OMIM 158810.

Allele frequency attached by ClinVar (database versions not stated): gnomAD 0.00017 and 0.00024; gnomAD exomes 0.00018 and 0.00026; ExAC 0.00021; TOPMed 0.00021; ESP Exome Variant Server 0.00023.
gnomAD v4.1: 410 of 1,614,116 alleles (0.025%); highest among the groups gnomAD compares: Non-Finnish European, 0.031%; no homozygotes.

Submissions (5):

Labcorp Genetics (formerly Invitae), Labcorp
Classification: Benign for Bethlem myopathy 1A. Last evaluated: 2026-01-14. Review status: criteria provided, single submitter. Criteria: Invitae Variant Classification Sherloc (09022015). Collection method: clinical testing. Allele origin: germline.

GeneDx
Classification: Uncertain significance. Last evaluated: 2025-05-11. Review status: criteria provided, single submitter. Criteria: GeneDx Variant Classification Process June 2021. Collection method: clinical testing. Allele origin: germline. Affected: yes.
Comment: Reported in the published literature in probands with limb girdle muscular dystrophy; however, detailed clinical and segregation information was not provided (PMID: 30564623); In silico analysis suggests that this missense variant does not alter protein structure/function; This variant is associated with the following publications: (PMID: 30564623)

Revvity Omics, Revvity
Classification: Uncertain significance. Last evaluated: 2024-11-04. Review status: criteria provided, single submitter. Criteria: ACMG Guidelines, 2015. Collection method: clinical testing. Allele origin: germline.

Cambridge Genomics Laboratory, East Genomic Laboratory Hub, NHS Genomic Medicine Service
Classification: Uncertain significance for Limb-girdle muscular dystrophy. Last evaluated: 2020-05-29. Review status: criteria provided, single submitter. Criteria: ACGS Best Practice Guidelines for Variant Classification in Rare Disease 2020. Collection method: clinical testing. Allele origin: germline. Affected: yes. Observed: 1 variant allele.

Eurofins Ntd Llc (ga)
Classification: Uncertain significance. Last evaluated: 2017-02-07. Review status: criteria provided, single submitter. Criteria: EGL Classification Definitions 2015. Collection method: clinical testing. Allele origin: germline. Observed: 7 variant alleles, 7 heterozygotes.

NM_004369.4(COL6A3):c.7114G>A (p.Asp2372Asn)

Gene: COL6A3 (collagen type VI alpha 3 chain; minus strand). Cytogenetic location: 2q37.3.
Variant type: single nucleotide variant.
Coding change: c.7114G>A on transcript NM_004369.4 (MANE Select); coding-DNA position 7114, G replaced by A.
Protein change: p.Asp2372Asn; replaces aspartic acid 2372 with asparagine.
Molecular consequence: missense variant.
Genome position (GRCh38, 1-based): chr2:237,345,192, C>T on the plus strand (G>A on the coding strand, the complement: COL6A3 is on the minus strand). VCF-style: chr2-237345192-C-T. GRCh37 (hg19) VCF-style: chr2-238253835-C-T.
Other names: c.5293G>A, p.Asp1765Asn (NM_057166.5); c.6496G>A, p.Asp2166Asn (NM_057167.4); short protein forms D2372N, D2166N, D1765N.
Identifiers: ClinVar variation 288387 (VCV000288387.18), dbSNP rs142002241, ClinGen allele CA2187923.